The following is an entry in ClinVar:

ClinVar aggregate classification (germline): Uncertain significance. Review status: criteria provided, multiple submitters, no conflicts (2 of 4 stars). 3 submissions from 3 submitters: Uncertain significance (3). Last evaluated 2025-01-22.

Conditions:
Exostoses, multiple, type 2 (EXT2). Also called: Hereditary Multiple Osteochondromatosis, Type II; EXOSTOSES, MULTIPLE, TYPE II. Identifiers: Orphanet 321, MedGen C1851413, MONDO:0007586, OMIM 133701.
Inborn genetic diseases. Identifiers: MedGen C0950123, MeSH D030342.

Allele frequency attached by ClinVar (database versions not stated): gnomAD exomes 0.00001; ExAC 0.00002; gnomAD 0.00002; TOPMed 0.00002.
gnomAD v4.1: 22 of 1,613,986 alleles (0.0014%); highest among the groups gnomAD compares: African/African-American, 0.0053%; no homozygotes.

Submissions (3):

Ambry Genetics
Classification: Uncertain significance for Inborn genetic diseases. Last evaluated: 2025-01-22. Review status: criteria provided, single submitter. Criteria: Ambry Variant Classification Scheme 2023. Collection method: clinical testing. Allele origin: germline.

Labcorp Genetics (formerly Invitae), Labcorp
Classification: Uncertain significance for Exostoses, multiple, type 2. Last evaluated: 2024-05-01. Review status: criteria provided, single submitter. Criteria: Invitae Variant Classification Sherloc (09022015). Collection method: clinical testing. Allele origin: germline.
Comment: This sequence change replaces tyrosine, which is neutral and polar, with cysteine, which is neutral and slightly polar, at codon 348 of the EXT2 protein (p.Tyr348Cys). This variant is present in population databases (rs758785296, gnomAD 0.007%). This variant has not been reported in the literature in individuals affected with EXT2-related conditions. ClinVar contains an entry for this variant (Variation ID: 1439910). Advanced modeling of protein sequence and biophysical properties (such as structural, functional, and spatial information, amino acid conservation, physicochemical variation, residue mobility, and thermodynamic stability) performed at Invitae indicates that this missense variant is expected to disrupt EXT2 protein function with a positive predictive value of 80%. In summary, the available evidence is currently insufficient to determine the role of this variant in disease. Therefore, it has been classified as a Variant of Uncertain Significance.

Baylor Genetics
Classification: Uncertain significance for Exostoses, multiple, type 2. Last evaluated: 2023-06-28. Review status: criteria provided, single submitter. Criteria: ACMG Guidelines, 2015. Collection method: clinical testing. Allele origin: unknown.

NM_207122.2(EXT2):c.1043A>G (p.Tyr348Cys)

Gene: EXT2 (exostosin glycosyltransferase 2; plus strand). Cytogenetic location: 11p11.2.
Variant type: single nucleotide variant.
Coding change: c.1043A>G on transcript NM_207122.2 (MANE Select); coding-DNA position 1043, A replaced by G.
Protein change: p.Tyr348Cys; replaces tyrosine 348 with cysteine.
Molecular consequence: missense variant.
Genome position (GRCh38, 1-based): chr11:44,126,919, A>G. VCF-style: chr11-44126919-A-G. GRCh37 (hg19) VCF-style: chr11-44148469-A-G.
Other names: c.1043A>G (NM_207122.1); c.1043A>G, p.Tyr348Cys (NM_001178083.3, NM_001389628.1, NM_001389630.1); c.1142A>G, p.Tyr381Cys (NM_000401.3); short protein forms Y381C, Y348C.
Identifiers: ClinVar variation 1439910 (VCV001439910.10), dbSNP rs758785296, ClinGen allele CA5955082.